The following is an entry in ClinVar:

ClinVar aggregate classification (germline): Pathogenic (1 of 4 stars; one submission).

Conditions:
Juvenile polyposis syndrome (JPS). Identifiers: Orphanet 2929, MedGen C0345893, MONDO:0017380, OMIM 174900.

Submission:

Labcorp Genetics (formerly Invitae), Labcorp
Classification: Pathogenic for Juvenile polyposis syndrome. Last evaluated: 2021-05-05. Review status: criteria provided, single submitter. Criteria: Invitae Variant Classification Sherloc (09022015). Collection method: clinical testing. Allele origin: germline.
Comment: This sequence change creates a premature translational stop signal (p.Arg81Metfs*15) in the SMAD4 gene. It is expected to result in an absent or disrupted protein product. Loss-of-function variants in SMAD4 are known to be pathogenic (PMID: 16152648, 16436638, 22810475). For these reasons, this variant has been classified as Pathogenic. This variant has not been reported in the literature in individuals with SMAD4-related conditions. This variant is not present in population databases (ExAC no frequency).

Literature cited by the submitters: PubMed 16152648; PubMed 16436638; PubMed 22810475.

NM_005359.6(SMAD4):c.237_241dup (p.Arg81fs)

Gene: SMAD4 (SMAD family member 4; plus strand). Cytogenetic location: 18q21.2.
Variant type: Duplication.
Coding change: c.237_241dup on transcript NM_005359.6 (MANE Select); coding-DNA positions 237 to 241, 5 bases duplicated (TGGGA; older notation c.237_241dupTGGGA).
Protein change: p.Arg81fs; shifts the reading frame from arginine 81.
Molecular consequence: frameshift variant.
Genome position (GRCh38, 1-based): chr18:51,047,283-51,047,287, TGGGA duplicated; duplicating any 5 consecutive bases within chr18:51,047,280-51,047,287 gives the same sequence; the c. name uses the placement nearest the transcript's 3' end. VCF-style (leftmost placement, unchanged base first): chr18-51047279-T-TGGATG. GRCh37 (hg19) VCF-style: chr18-48573649-T-TGGATG.
Other names: short protein forms R81fs.
Identifiers: ClinVar variation 1392952 (VCV001392952.6), dbSNP rs2144401899, ClinGen allele CA2573155403.